The following is an entry in ClinVar:

ClinVar aggregate classification (germline): Uncertain significance (1 of 4 stars; one submission).

Conditions:
Epidermolysis bullosa simplex 3, localized or generalized intermediate, with BP230 deficiency (EBS3). Also called: Epidermolysis bullosa simplex, autosomal recessive 2; Epidermolysis bullosa simplex due to BP230 deficiency. Identifiers: Orphanet 412181, MedGen C3809470, MONDO:0014180, OMIM 615425.
Hereditary sensory and autonomic neuropathy type 6. Also called: Neuropathy, hereditary sensory and autonomic, type VI; HSAN VI. Identifiers: Orphanet 314381, MedGen C3539003, MONDO:0013839, OMIM 614653.

Allele frequency attached by ClinVar (database versions not stated): gnomAD exomes below 0.00001; ExAC 0.00001; gnomAD 0.00003; TOPMed 0.00004.
gnomAD v4.1: 5 of 1,613,802 alleles (0.00031%); highest among the groups gnomAD compares: African/African-American, 0.0067%; no homozygotes.

Submission:

Labcorp Genetics (formerly Invitae), Labcorp
Classification: Uncertain significance for Epidermolysis bullosa simplex 3, localized or generalized intermediate, with BP230 deficiency; Hereditary sensory and autonomic neuropathy type 6. Last evaluated: 2022-02-28. Review status: criteria provided, single submitter. Criteria: Invitae Variant Classification Sherloc (09022015). Collection method: clinical testing. Allele origin: germline.
Comment: This sequence change replaces glycine, which is neutral and non-polar, with cysteine, which is neutral and slightly polar, at codon 1450 of the DST protein (p.Gly1450Cys). This variant is present in population databases (rs746324175, gnomAD 0.007%). This variant has not been reported in the literature in individuals affected with DST-related conditions. Algorithms developed to predict the effect of missense changes on protein structure and function are either unavailable or do not agree on the potential impact of this missense change (SIFT: "Deleterious"; PolyPhen-2: "Possibly Damaging"; Align-GVGD: "Class C15"). In summary, the available evidence is currently insufficient to determine the role of this variant in disease. Therefore, it has been classified as a Variant of Uncertain Significance.

NM_001723.7(DST):c.4348G>T (p.Gly1450Cys)

Gene: DST (dystonin; minus strand). Cytogenetic location: 6p12.1.
Variant type: single nucleotide variant.
Coding change: c.4348G>T on transcript NM_001723.7 (MANE Plus Clinical); coding-DNA position 4348, G replaced by T.
Protein change: p.Gly1450Cys; replaces glycine 1450 with cysteine.
Molecular consequence: missense variant. On other transcripts: intron variant (10).
Genome position (GRCh38, 1-based): chr6:56,619,686, C>A on the plus strand (G>T on the coding strand, the complement: DST is on the minus strand). VCF-style: chr6-56619686-C-A. GRCh37 (hg19) VCF-style: chr6-56484484-C-A.
Other names: c.4830+4844G>T (NM_001144769.5); c.4929+4844G>T (NM_001374722.1, NM_001374736.1); c.4956+4844G>T (NM_001374734.1); c.4416+4844G>T (NM_001144770.2); c.4296+4844G>T (NM_001374730.1, NM_001386100.1, NM_183380.4 and 1 more transcripts); c.3318+4844G>T (NM_015548.5); short protein forms G1450C.
Identifiers: ClinVar variation 2163083 (VCV002163083.4), dbSNP rs746324175, ClinGen allele CA3870547.